The following is an entry in ClinVar:

ClinVar aggregate classification (germline): Uncertain significance (1 of 4 stars; one submission).

Conditions:
Familial adenomatous polyposis 1 (FAP1). Also called: FAMILIAL ADENOMATOUS POLYPOSIS 1, ATTENUATED; POLYPOSIS, ADENOMATOUS INTESTINAL. Identifiers: MedGen C2713442, MONDO:0021056, OMIM 175100. Disease mechanism: loss of function.

Submission:

Labcorp Genetics (formerly Invitae), Labcorp
Classification: Uncertain significance for Familial adenomatous polyposis 1. Last evaluated: 2024-06-22. Review status: criteria provided, single submitter. Criteria: Invitae Variant Classification Sherloc (09022015). Collection method: clinical testing. Allele origin: germline.
Comment: This variant occurs in a non-coding region of the APC gene. It does not change the encoded amino acid sequence of the APC protein. This variant is not present in population databases (gnomAD no frequency). This variant has not been reported in the literature in individuals affected with APC-related conditions. ClinVar contains an entry for this variant (Variation ID: 537621). Experimental studies and prediction algorithms are not available or were not evaluated, and the functional significance of this variant is currently unknown. In summary, the available evidence is currently insufficient to determine the role of this variant in disease. Therefore, it has been classified as a Variant of Uncertain Significance.

NM_001127511.3(APC):c.-59T>C

Gene: APC (APC regulator of Wnt signaling pathway; plus strand). Cytogenetic location: 5q22.2.
Variant type: single nucleotide variant.
Coding change: c.-59T>C on transcript NM_001127511.3; 59 bases upstream of the start codon, T replaced by C.
Molecular consequence: 5 prime UTR variant. On other transcripts: non-coding transcript variant (1), intron variant (5).
Genome position (GRCh38, 1-based): chr5:112,707,659, T>C. VCF-style: chr5-112707659-T-C. GRCh37 (hg19) VCF-style: chr5-112043356-T-C.
Other names: c.-242T>C (NM_001354895.2, NM_001407447.1, NM_001407452.1 and 3 more transcripts); c.-59T>C (NM_001354897.2, NM_001354902.2, NM_001407446.1); c.-1277T>C (NM_001407470.1, NM_001407472.1); c.-19+10T>C (NM_001407448.1, NM_001407450.1, NM_001407457.1 and 1 more transcripts); c.-43+10T>C (NM_001407453.1).
Identifiers: ClinVar variation 537621 (VCV000537621.9), dbSNP rs1554060243, ClinGen allele CA658796616.